The following is an entry in ClinVar:

NM_006922.4(SCN3A):c.3301G>A (p.Val1101Ile)

Gene: SCN3A (sodium voltage-gated channel alpha subunit 3; minus strand). Cytogenetic location: 2q24.3.
Variant type: single nucleotide variant.
Coding change: c.3301G>A on transcript NM_006922.4 (MANE Select); coding-DNA position 3301, G replaced by A.
Protein change: p.Val1101Ile; replaces valine 1101 with isoleucine.
Molecular consequence: missense variant.
Genome position (GRCh38, 1-based): chr2:165,127,723, C>T on the plus strand (G>A on the coding strand, the complement: SCN3A is on the minus strand). VCF-style: chr2-165127723-C-T. GRCh37 (hg19) VCF-style: chr2-165984233-C-T.
Other names: c.3154G>A, p.Val1052Ile (NM_001081676.2, NM_001081677.2); short protein forms V1052I, V1101I.
Identifiers: ClinVar variation 2050819 (VCV002050819.4), dbSNP rs1414554330, ClinGen allele CA349040387.

ClinVar aggregate classification (germline): Uncertain significance (1 of 4 stars; one submission).

Allele frequency attached by ClinVar (database versions not stated): gnomAD 0.00001; gnomAD exomes 0.00001; TOPMed below 0.00001.
gnomAD v4.1: 19 of 1,614,044 alleles (0.0012%); highest among the groups gnomAD compares: South Asian, 0.0033%; no homozygotes.

Submission:

Labcorp Genetics (formerly Invitae), Labcorp
Classification: Uncertain significance. Last evaluated: 2022-07-01. Review status: criteria provided, single submitter. Criteria: Invitae Variant Classification Sherloc (09022015). Collection method: clinical testing. Allele origin: germline.
Comment: In summary, the available evidence is currently insufficient to determine the role of this variant in disease. Therefore, it has been classified as a Variant of Uncertain Significance. Algorithms developed to predict the effect of missense changes on protein structure and function are either unavailable or do not agree on the potential impact of this missense change (SIFT: "Deleterious"; PolyPhen-2: "Benign"; Align-GVGD: "Class C0"). This variant has not been reported in the literature in individuals affected with SCN3A-related conditions. This variant is present in population databases (no rsID available, gnomAD 0.004%). This sequence change replaces valine, which is neutral and non-polar, with isoleucine, which is neutral and non-polar, at codon 1101 of the SCN3A protein (p.Val1101Ile).